The following is an entry in ClinVar:

ClinVar aggregate classification (germline): Pathogenic. Review status: criteria provided, multiple submitters, no conflicts (2 of 4 stars). 3 submissions from 3 submitters: Pathogenic (3). Last evaluated 2026-01-07.

Conditions:
Glutaric aciduria, type 1. Also called: Glutaric acidemia type I; Glutaric Acidemia Type 1; GA I; Glutaricacidemia Type 1; Glutaryl-CoA dehydrogenase deficiency; Glutaricaciduria, type I. Identifiers: Orphanet 25, MedGen C0268595, MONDO:0009281, OMIM 231670.

Submissions (3):

Labcorp Genetics (formerly Invitae), Labcorp
Classification: Pathogenic for Glutaric aciduria, type 1. Last evaluated: 2026-01-07. Review status: criteria provided, single submitter. Criteria: Invitae Variant Classification Sherloc (09022015). Collection method: clinical testing. Allele origin: germline.
Comment: This sequence change replaces glycine, which is neutral and non-polar, with cysteine, which is neutral and slightly polar, at codon 136 of the GCDH protein (p.Gly136Cys). This variant is not present in population databases (gnomAD no frequency). This missense change has been observed in individual(s) with glutaric acidemia type I (PMID: 24332224, 30298489, 30512148). In at least one individual the data is consistent with being in trans (on the opposite chromosome) from a pathogenic variant. ClinVar contains an entry for this variant (Variation ID: 853725). Invitae Evidence Modeling of protein sequence and biophysical properties (such as structural, functional, and spatial information, amino acid conservation, physicochemical variation, residue mobility, and thermodynamic stability) indicates that this missense variant is not expected to disrupt GCDH protein function with a negative predictive value of 80%. For these reasons, this variant has been classified as Pathogenic.

Natera, Inc.
Classification: Pathogenic for Glutaric acidemia type 1. Last evaluated: 2024-05-30. Review status: criteria provided, single submitter. Criteria: Natera Variant Classification Schema (03/2026). Collection method: clinical testing. Allele origin: germline.
Comment: The c.406G>T variant in GCDH is a missense variant predicted to cause substitution of glycine to cysteine at amino acid 136. This variant is rare in the general population with a frequency below the threshold expected for the associated phenotype(s). This variant has been observed in one or more individuals affected with the associated recessive disease, as either homozygous or compound heterozygous with a second variant (PMID: 24332224, 38137040, 32508882, 31893530). Computational prediction algorithms indicate this variant is likely to affect gene or protein function. Given the available evidence, this variant is classified as Pathogenic.

Fulgent Genetics
Classification: Pathogenic for Glutaric aciduria, type 1. Last evaluated: 2024-01-27. Review status: criteria provided, single submitter. Criteria: ACMG Guidelines, 2015. Collection method: clinical testing. Allele origin: germline.

Literature cited by the submitters: PubMed 24332224 (cited by Labcorp Genetics (formerly Invitae), Labcorp and Natera, Inc.); PubMed 30298489 (cited by Labcorp Genetics (formerly Invitae), Labcorp); PubMed 30512148 (cited by Labcorp Genetics (formerly Invitae), Labcorp); PubMed 38137040 (cited by Natera, Inc.); PubMed 32508882 (cited by Natera, Inc.); PubMed 31893530 (cited by Natera, Inc.).

NM_000159.4(GCDH):c.406G>T (p.Gly136Cys)

Gene: GCDH (glutaryl-CoA dehydrogenase; plus strand). Cytogenetic location: 19p13.13.
Variant type: single nucleotide variant.
Coding change: c.406G>T on transcript NM_000159.4 (MANE Select); coding-DNA position 406, G replaced by T.
Protein change: p.Gly136Cys; replaces glycine 136 with cysteine.
Molecular consequence: missense variant. On other transcripts: non-coding transcript variant (2).
Genome position (GRCh38, 1-based): chr19:12,893,554, G>T. VCF-style: chr19-12893554-G-T. GRCh37 (hg19) VCF-style: chr19-13004368-G-T.
Other names: c.406G>T, p.Gly136Cys (NM_013976.5); short protein forms G136C.
Identifiers: ClinVar variation 853725 (VCV000853725.12), dbSNP rs1970604182, ClinGen allele CA404317481.